The following is an entry in ClinVar:

NM_000051.4(ATM):c.5956A>G (p.Ile1986Val)

Genes: ATM (ATM serine/threonine kinase; plus strand), C11orf65 (chromosome 11 open reading frame 65; minus strand). Cytogenetic location: 11q22.3.
Variant type: single nucleotide variant.
Coding change: c.5956A>G on transcript NM_000051.4 (MANE Select); coding-DNA position 5956, A replaced by G.
Protein change: p.Ile1986Val; replaces isoleucine 1986 with valine.
Molecular consequence: missense variant. On other transcripts: intron variant (2).
Genome position (GRCh38, 1-based): chr11:108,312,448, A>G. VCF-style: chr11-108312448-A-G. GRCh37 (hg19) VCF-style: chr11-108183175-A-G.
Other names: c.5956A>G, p.Ile1986Val (NM_001351834.2); c.641-3377T>C (NM_001330368.2); c.*39-3377T>C (NM_001351110.2); short protein forms I1986V.
Identifiers: ClinVar variation 234219 (VCV000234219.21), dbSNP rs876660935, ClinGen allele CA10579202.

ClinVar aggregate classification (germline): Conflicting classifications of pathogenicity. Review status: criteria provided, conflicting classifications (1 of 4 stars). 6 submissions from 6 submitters: Uncertain significance (4); Likely benign (2). Last evaluated 2025-11-05.

Conditions:
Hereditary cancer-predisposing syndrome. Also called: Neoplastic Syndromes, Hereditary; Hereditary neoplastic syndrome; Tumor predisposition; Hereditary Cancer Syndrome. Identifiers: Orphanet 140162, MedGen C0027672, MeSH D009386, MONDO:0015356.
Ataxia-telangiectasia syndrome (AT). Also called: Ataxia telangiectasia (A-T); Cerebello-oculocutaneous telangiectasia; Immunodeficiency with ataxia telangiectasia; LOUIS-BAR SYNDROME; AT, COMPLEMENTATION GROUP C; ATAXIA-TELANGIECTASIA, FRESNO VARIANT. Identifiers: Orphanet 100, MedGen C0004135, MONDO:0008840, OMIM 208900.

Allele frequency attached by ClinVar (database versions not stated): TOPMed below 0.00001.
gnomAD v4.1: 3 of 1,596,496 alleles (0.00019%); highest among the groups gnomAD compares: Non-Finnish European, 0.00026%; no homozygotes.

Submissions (6):

Labcorp Genetics (formerly Invitae), Labcorp
Classification: Likely benign for Ataxia-telangiectasia syndrome. Last evaluated: 2025-11-05. Review status: criteria provided, single submitter. Criteria: Invitae Variant Classification Sherloc (09022015). Collection method: clinical testing. Allele origin: germline.

Ambry Genetics
Classification: Likely benign for Hereditary cancer-predisposing syndrome. Last evaluated: 2024-11-04. Review status: criteria provided, single submitter. Criteria: Ambry Variant Classification Scheme 2023. Collection method: clinical testing. Allele origin: germline.

Color Diagnostics, LLC DBA Color Health
Classification: Uncertain significance for Hereditary cancer-predisposing syndrome. Last evaluated: 2022-12-22. Review status: criteria provided, single submitter. Criteria: ACMG Guidelines, 2015. Collection method: clinical testing. Allele origin: germline.
Comment: This missense variant replaces isoleucine with valine at codon 1986 of the ATM protein. Computational prediction suggests that this variant may not impact protein structure and function (internally defined REVEL score threshold <= 0.5, PMID: 27666373). To our knowledge, functional studies have not been reported for this variant. In a case-control study conducted in the UK, this variant was detected in 1/13087 breast cancer cases and absent in 5488 controls (PMID: 28779002). This variant has not been identified in the general population by the Genome Aggregation Database (gnomAD). The available evidence is insufficient to determine the role of this variant in disease conclusively. Therefore, this variant is classified as a Variant of Uncertain Significance.

Institute for Clinical Genetics, University Hospital TU Dresden, University Hospital TU Dresden
Classification: Uncertain significance. Last evaluated: 2021-11-03. Review status: criteria provided, single submitter. Criteria: ACMG Guidelines, 2015. Collection method: clinical testing. Allele origin: germline.

GeneKor MSA
Classification: Uncertain significance for Hereditary cancer-predisposing syndrome. Last evaluated: 2018-08-01. Review status: criteria provided, single submitter. Criteria: ACMG Guidelines, 2015. Collection method: clinical testing. Allele origin: germline. Affected: yes.

GeneDx
Classification: Uncertain significance. Last evaluated: 2016-03-04. Review status: criteria provided, single submitter. Criteria: GeneDx Variant Classification (06012015). Collection method: clinical testing. Allele origin: germline. Affected: yes.
Comment: This variant is denoted ATM c.5956A>G at the cDNA level, p.Ile1986Val (I1986V) at the protein level, and results in the change of an Isoleucine to a Valine (ATT>GTT). This variant has not, to our knowledge, been published in the literature as pathogenic or benign. ATM Ile1986Val was not observed in approximately 6,500 individuals of European and African American ancestry in the NHLBI Exome Sequencing Project, suggesting it is not a common benign variant in these populations. Since Isoleucine and Valine share similar properties, this is considered a conservative amino acid substitution. ATM Ile1986Val occurs at a position where amino acids with properties similar to Isoleucine are tolerated across species and is located in the FAT domain (Stracker 2013). In silico analyses are inconsistent regarding the effect this variant may have on protein structure and function. Based on currently available evidence, it is unclear whether ATM Ile1986Val is a pathogenic or benign variant. We consider it to be a variant of uncertain significance.

Literature cited by the submitters: PubMed 28779002 (cited by Ambry Genetics and Color Diagnostics, LLC DBA Color Health); PubMed 31159747 (cited by Ambry Genetics).